The following is an entry in ClinVar:

NM_000632.4(ITGAM):c.3065G>T (p.Cys1022Phe)

Gene: ITGAM (integrin subunit alpha M; plus strand). Cytogenetic location: 16p11.2.
Variant type: single nucleotide variant.
Coding change: c.3065G>T on transcript NM_000632.4 (MANE Select); coding-DNA position 3065, G replaced by T.
Protein change: p.Cys1022Phe; replaces cysteine 1022 with phenylalanine.
Molecular consequence: missense variant.
Genome position (GRCh38, 1-based): chr16:31,330,312, G>T. VCF-style: chr16-31330312-G-T. GRCh37 (hg19) VCF-style: chr16-31341633-G-T.
Other names: c.3068G>T, p.Cys1023Phe (NM_001145808.2); short protein forms C1023F, C1022F.
Identifiers: ClinVar variation 4692116 (VCV004692116.1).

ClinVar aggregate classification (germline): Uncertain significance (1 of 4 stars; one submission).

gnomAD v4.1: 1 of 1,613,456 alleles (0.000062%); highest among the groups gnomAD compares: Non-Finnish European, 0.000085%; no homozygotes.

Submission:

Labcorp Genetics (formerly Invitae), Labcorp
Classification: Uncertain significance. Last evaluated: 2026-01-27. Review status: criteria provided, single submitter. Criteria: Invitae Variant Classification Sherloc (09022015). Collection method: clinical testing. Allele origin: germline.
Comment: This sequence change replaces cysteine, which is neutral and slightly polar, with phenylalanine, which is neutral and non-polar, at codon 1022 of the ITGAM protein (p.Cys1022Phe). This variant is present in population databases (no rsID available, gnomAD 0.0009%). This variant has not been reported in the literature in individuals affected with ITGAM-related conditions. An algorithm developed to predict the effect of missense changes on protein structure and function (PolyPhen-2) suggests that this variant is likely to be disruptive. In summary, the available evidence is currently insufficient to determine the role of this variant in disease. Therefore, it has been classified as a Variant of Uncertain Significance.